The following is an entry in ClinVar:

NM_024675.4(PALB2):c.1710G>A (p.Glu570=)

Gene: PALB2 (partner and localizer of BRCA2; minus strand). Cytogenetic location: 16p12.2.
Variant type: single nucleotide variant.
Coding change: c.1710G>A on transcript NM_024675.4 (MANE Select); coding-DNA position 1710, G replaced by A.
Protein change: p.Glu570=; no amino-acid change (glutamic acid 570 retained).
Molecular consequence: synonymous variant.
Genome position (GRCh38, 1-based): chr16:23,630,444, C>T on the plus strand (G>A on the coding strand, the complement: PALB2 is on the minus strand). VCF-style: chr16-23630444-C-T. GRCh37 (hg19) VCF-style: chr16-23641765-C-T.
Identifiers: ClinVar variation 482060 (VCV000482060.9), dbSNP rs1555460688, ClinGen allele CA494461420.

ClinVar aggregate classification (germline): Benign/Likely benign. Review status: criteria provided, multiple submitters, no conflicts (2 of 4 stars). 4 submissions from 4 submitters: Benign (1); Likely benign (3). Last evaluated 2025-01-14.

Conditions:
Familial cancer of breast. Also called: BREAST CANCER, FAMILIAL; Hereditary breast cancer; hereditary breast carcinoma. Identifiers: Orphanet 227535, MedGen C0346153, MONDO:0016419, OMIM 114480. Disease mechanism: loss of function.
Hereditary cancer-predisposing syndrome. Also called: Neoplastic Syndromes, Hereditary; Tumor predisposition; Hereditary Cancer Syndrome; Hereditary neoplastic syndrome. Identifiers: Orphanet 140162, MedGen C0027672, MeSH D009386, MONDO:0015356.

Submissions (4):

Myriad Genetics, Inc.
Classification: Benign for Familial cancer of breast. Last evaluated: 2025-01-14. Review status: criteria provided, single submitter. Criteria: Myriad Autosomal Dominant, Autosomal Recessive and X-Linked Classification Criteria (2023). Collection method: clinical testing. Allele origin: unknown.
Comment: This variant is considered benign. This variant is a silent/synonymous amino acid change and it is not expected to impact splicing.

Labcorp Genetics (formerly Invitae), Labcorp
Classification: Likely benign for Familial cancer of breast. Last evaluated: 2024-08-13. Review status: criteria provided, single submitter. Criteria: Invitae Variant Classification Sherloc (09022015). Collection method: clinical testing. Allele origin: germline.

Sema4
Classification: Likely benign for Hereditary cancer-predisposing syndrome. Last evaluated: 2021-12-08. Review status: criteria provided, single submitter. Criteria: Sema4 Curation Guidelines. Collection method: curation. Allele origin: germline.

Ambry Genetics
Classification: Likely benign for Hereditary cancer-predisposing syndrome. Last evaluated: 2017-06-09. Review status: criteria provided, single submitter. Criteria: Ambry Variant Classification Scheme 2023. Collection method: clinical testing. Allele origin: germline.